The following is an entry in ClinVar:

NM_005202.4(COL8A2):c.2053C>T (p.Leu685Phe)

Gene: COL8A2 (collagen type VIII alpha 2 chain; minus strand). Cytogenetic location: 1p34.3.
Variant type: single nucleotide variant.
Coding change: c.2053C>T on transcript NM_005202.4 (MANE Select); coding-DNA position 2053, C replaced by T.
Protein change: p.Leu685Phe; replaces leucine 685 with phenylalanine.
Molecular consequence: missense variant.
Genome position (GRCh38, 1-based): chr1:36,097,628, G>A on the plus strand (C>T on the coding strand, the complement: COL8A2 is on the minus strand). VCF-style: chr1-36097628-G-A. GRCh37 (hg19) VCF-style: chr1-36563229-G-A.
Other names: c.1858C>T, p.Leu620Phe (NM_001294347.2); short protein forms L685F, L620F.
Identifiers: ClinVar variation 2045773 (VCV002045773.4), dbSNP rs770069044, ClinGen allele CA764809.
Genomic context (GRCh38, chr1:36,097,628, plus strand): 5'-GTTATGTGGGGCAGAGCAAGAATCCTGAAAAGGAGGAGTGGATGTACTCCGTGGAGTAGA[G>A]GCCGTTGGCCTGGTCCGACGGCATCTGCACCCAGACCTGGTCGTTGGGCCGCAGCTGGAG-3'
Protein context (NP_005193.1, residues 675-695): VQMPSDQANG[Leu685Phe]YSTEYIHSSF

ClinVar aggregate classification (germline): Uncertain significance (1 of 4 stars; one submission).

Allele frequency attached by ClinVar (database versions not stated): TOPMed below 0.00001.
gnomAD v4.1: 2 of 1,613,420 alleles (0.00012%); highest among the groups gnomAD compares: Admixed American, 0.0033%; no homozygotes.

Submission:

Labcorp Genetics (formerly Invitae), Labcorp
Classification: Uncertain significance. Last evaluated: 2022-09-20. Review status: criteria provided, single submitter. Criteria: Invitae Variant Classification Sherloc (09022015). Collection method: clinical testing. Allele origin: germline.
Comment: This variant has not been reported in the literature in individuals affected with COL8A2-related conditions. In summary, the available evidence is currently insufficient to determine the role of this variant in disease. Therefore, it has been classified as a Variant of Uncertain Significance. Algorithms developed to predict the effect of missense changes on protein structure and function are either unavailable or do not agree on the potential impact of this missense change (SIFT: "Deleterious"; PolyPhen-2: "Probably Damaging"; Align-GVGD: "Class C0"). This variant is present in population databases (rs770069044, gnomAD 0.006%). This sequence change replaces leucine, which is neutral and non-polar, with phenylalanine, which is neutral and non-polar, at codon 685 of the COL8A2 protein (p.Leu685Phe).